The following is an entry in ClinVar:

NM_014633.5(CTR9):c.2327T>G (p.Leu776Arg)

Gene: CTR9 (CTR9 component of Paf1/RNA polymerase II complex; plus strand). Cytogenetic location: 11p15.4.
Variant type: single nucleotide variant.
Coding change: c.2327T>G on transcript NM_014633.5 (MANE Select); coding-DNA position 2327, T replaced by G.
Protein change: p.Leu776Arg; replaces leucine 776 with arginine.
Molecular consequence: missense variant.
Genome position (GRCh38, 1-based): chr11:10,770,587, T>G. VCF-style: chr11-10770587-T-G. GRCh37 (hg19) VCF-style: chr11-10792134-T-G.
Other names: c.2327T>G, p.Leu776Arg (NM_001346279.2); short protein forms L776R.
Identifiers: ClinVar variation 2124506 (VCV002124506.4), dbSNP rs2539387168, ClinGen allele CA379675300.

ClinVar aggregate classification (germline): Uncertain significance (1 of 4 stars; one submission).

Submission:

Labcorp Genetics (formerly Invitae), Labcorp
Classification: Uncertain significance. Last evaluated: 2022-06-27. Review status: criteria provided, single submitter. Criteria: Invitae Variant Classification Sherloc (09022015). Collection method: clinical testing. Allele origin: germline.
Comment: This sequence change replaces leucine, which is neutral and non-polar, with arginine, which is basic and polar, at codon 776 of the CTR9 protein (p.Leu776Arg). This variant is not present in population databases (gnomAD no frequency). This variant has not been reported in the literature in individuals affected with CTR9-related conditions. Algorithms developed to predict the effect of missense changes on protein structure and function are either unavailable or do not agree on the potential impact of this missense change (SIFT: "Tolerated"; PolyPhen-2: "Probably Damaging"; Align-GVGD: "Class C0"). In summary, the available evidence is currently insufficient to determine the role of this variant in disease. Therefore, it has been classified as a Variant of Uncertain Significance.